The following is an entry in ClinVar:

ClinVar aggregate classification (germline): Pathogenic/Likely pathogenic. Review status: criteria provided, multiple submitters, no conflicts (2 of 4 stars). 3 submissions from 3 submitters: Pathogenic (1); Likely pathogenic (2). Last evaluated 2025-04-03.

Conditions:
Usher syndrome. Also called: Usher's syndrome; Usher Syndromes. Identifiers: Orphanet 886, MedGen CN469326, MeSH D052245, MONDO:0019501. Disease mechanism: loss of function.

Allele frequency attached by ClinVar (database versions not stated): TOPMed below 0.00001; gnomAD 0.00001.
gnomAD v4.1: 1 of 1,550,574 alleles (0.000064%); highest among the groups gnomAD compares: African/African-American, 0.0014%; no homozygotes.

Submissions (3):

GeneDx
Classification: Likely pathogenic. Last evaluated: 2025-04-03. Review status: criteria provided, single submitter. Criteria: GeneDx Variant Classification Process June 2021. Collection method: clinical testing. Allele origin: germline. Affected: yes.
Comment: Canonical splice site variant predicted to result in a null allele in a gene for which loss of function is a known mechanism of disease; Not observed at significant frequency in large population cohorts (gnomAD); Has not been previously published as pathogenic or benign to our knowledge; This variant is associated with the following publications: (PMID: 31964843)

Labcorp Genetics (formerly Invitae), Labcorp
Classification: Pathogenic. Last evaluated: 2025-01-21. Review status: criteria provided, single submitter. Criteria: Invitae Variant Classification Sherloc (09022015). Collection method: clinical testing. Allele origin: germline.
Comment: This sequence change affects a donor splice site in intron 44 of the MYO7A gene. It is expected to disrupt RNA splicing. Variants that disrupt the donor or acceptor splice site typically lead to a loss of protein function (PMID: 16199547), and loss-of-function variants in MYO7A are known to be pathogenic (PMID: 8900236, 25404053). This variant is present in population databases (no rsID available, gnomAD 0.01%). Disruption of this splice site has been observed in individual(s) with Usher syndrome (PMID: 23559863). It has also been observed to segregate with disease in related individuals. ClinVar contains an entry for this variant (Variation ID: 1434743). Algorithms developed to predict the effect of sequence changes on RNA splicing suggest that this variant may disrupt the consensus splice site. For these reasons, this variant has been classified as Pathogenic.

Women's Health and Genetics/Laboratory Corporation of America, LabCorp
Classification: Likely pathogenic for Usher syndrome. Last evaluated: 2024-09-16. Review status: criteria provided, single submitter. Criteria: LabCorp Variant Classification Summary - May 2015. Collection method: clinical testing. Allele origin: germline.
Comment: Variant summary: MYO7A c.6051+2T>C is located in a canonical splice-site and is predicted to affect mRNA splicing resulting in a significantly altered protein due to either exon skipping, shortening, or inclusion of intronic material. Variants that disrupt the consensus splice site are a relatively common cause of aberrant splicing and loss of MYO7A function. Several computational tools predict a significant impact on normal splicing: Three predict the variant abolishes a 5' splicing donor site. One predict the variant weakens a 5' donor site. However, these predictions have yet to be confirmed by functional studies. The frequency data for this variant in gnomAD is considered unreliable, as metrics indicate poor data quality at this position. c.6051+2T>C has been reported in the literature in a study for carrier screening for autosomal recessive inherited retinal diseases (associated with Usher syndrome without clinical information) (Hanany_2020). These report(s) do not provide unequivocal conclusions about association of the variant with Usher Syndrome. To our knowledge, no experimental evidence demonstrating an impact on protein function has been reported. The following publication have been ascertained in the context of this evaluation (PMID: 31964843). ClinVar contains an entry for this variant (Variation ID: 1434743). Based on the evidence outlined above, the variant was classified as likely pathogenic.

Literature cited by the submitters: PubMed 16199547 (cited by Labcorp Genetics (formerly Invitae), Labcorp); PubMed 8900236 (cited by Labcorp Genetics (formerly Invitae), Labcorp); PubMed 25404053 (cited by Labcorp Genetics (formerly Invitae), Labcorp); PubMed 23559863 (cited by Labcorp Genetics (formerly Invitae), Labcorp); PubMed 31964843 (cited by Women's Health and Genetics/Laboratory Corporation of America, LabCorp).

NM_000260.4(MYO7A):c.6051+2T>C

Gene: MYO7A (myosin VIIA; plus strand). Cytogenetic location: 11q13.5.
Variant type: single nucleotide variant.
Coding change: c.6051+2T>C on transcript NM_000260.4 (MANE Select); the canonical splice donor site of the intron after coding-DNA position 6051, T replaced by C.
Molecular consequence: splice donor variant.
Genome position (GRCh38, 1-based): chr11:77,208,805, T>C. VCF-style: chr11-77208805-T-C. GRCh37 (hg19) VCF-style: chr11-76919850-T-C.
Other names: c.5904+2T>C (NM_001369365.1); c.5937+2T>C (NM_001127180.2).
Identifiers: ClinVar variation 1434743 (VCV001434743.8), dbSNP rs1353598791, ClinGen allele CA381934783.
Genomic context (GRCh38, chr11:77,208,805, plus strand): 5'-GGACCACCACGGTGCCAGGGAAGGATCCCATGGCCGATTCCATCTTCCACTATTACCAGG[T>C]GGGCACCTCTGCACTCTAGTTGCCTTCGTGCACAGCTAGCGTTGCTGTACTTTGGCCCTG-3'